The following is an entry in ClinVar:

NM_000338.3(SLC12A1):c.946T>C (p.Ser316Pro)

Gene: SLC12A1 (solute carrier family 12 member 1; plus strand). Cytogenetic location: 15q21.1.
Variant type: single nucleotide variant.
Coding change: c.946T>C on transcript NM_000338.3 (MANE Select); coding-DNA position 946, T replaced by C.
Protein change: p.Ser316Pro; replaces serine 316 with proline.
Molecular consequence: missense variant.
Genome position (GRCh38, 1-based): chr15:48,230,474, T>C. VCF-style: chr15-48230474-T-C. GRCh37 (hg19) VCF-style: chr15-48522671-T-C.
Other names: c.946T>C, p.Ser316Pro (NM_001184832.2, NM_001384136.1); short protein forms S316P.
Identifiers: ClinVar variation 4526350 (VCV004526350.1).

ClinVar aggregate classification (germline): Uncertain significance (1 of 4 stars; one submission).

Submission:

Centre of Medical Genetics, University Hospital Muenster
Classification: Uncertain significance. Last evaluated: 2025-02-03. Review status: criteria provided, single submitter. Criteria: ACMG Guidelines, 2015. Collection method: clinical testing. Allele origin: unknown. Affected: yes. Observed: 1 variant allele, 1 homozygote.
Comment: ACMG categories: PM2,PP3